The following is an entry in ClinVar:

ClinVar aggregate classification (germline): Uncertain significance (1 of 4 stars; one submission).

gnomAD v4.1: 3 of 1,610,926 alleles (0.00019%); highest among the groups gnomAD compares: Non-Finnish European, 0.00017%; no homozygotes.

Submission:

Dasa
Classification: Uncertain significance. Last evaluated: 2025-11-28. Review status: criteria provided, single submitter. Criteria: DASA Assertion Criteria. Collection method: clinical testing. Allele origin: germline.
Comment: NM_001302084.2(C11orf80):c.694G>C (p.Asp232His) is a missense variant that results in the substitution of aspartic acid with histidine. This variant is rare in population databases. Computational prediction algorithms are consistent with a deleterious effect. The currently available literature and clinical evidence are not sufficient to establish a definitive association between this variant and the reported condition. Therefore, this variant is classified as a variant of uncertain significance.

NM_001302084.2(TOP6BL):c.694G>C (p.Asp232His)

Gene: TOP6BL (TOP6B like initiator of meiotic double strand breaks; plus strand). Cytogenetic location: 11q13.2.
Variant type: single nucleotide variant.
Coding change: c.694G>C on transcript NM_001302084.2 (MANE Select); coding-DNA position 694, G replaced by C.
Protein change: p.Asp232His; replaces aspartic acid 232 with histidine.
Molecular consequence: missense variant.
Genome position (GRCh38, 1-based): chr11:66,814,015, G>C. VCF-style: chr11-66814015-G-C. GRCh37 (hg19) VCF-style: chr11-66581486-G-C.
Other names: c.1042G>C, p.Asp348His (NM_024650.4); short protein forms D232H, D348H.
Identifiers: ClinVar variation 4885605 (VCV004885605.2).
Genomic context (GRCh38, chr11:66,814,015, plus strand): 5'-GTTGACTGGAAAAAATACCATTTGTGTATGATACCCAATTTGGATCTCAATTTGGATAGA[G>C]GTATATCCTCCCTCTTTCTGCACAGGAATTAAGACATTTGAAGAATATTAGATAAATGAA-3'
Protein context (NP_001289013.1, residues 222-242): IPNLDLNLDR[Asp232His]LVLPDVSYQV